The following is an entry in ClinVar:

NM_144997.7(FLCN):c.1183C>G (p.Leu395Val)

Gene: FLCN (folliculin; minus strand). Cytogenetic location: 17p11.2.
Variant type: single nucleotide variant.
Coding change: c.1183C>G on transcript NM_144997.7 (MANE Select); coding-DNA position 1183, C replaced by G.
Protein change: p.Leu395Val; replaces leucine 395 with valine.
Molecular consequence: missense variant.
Genome position (GRCh38, 1-based): chr17:17,216,497, G>C on the plus strand (C>G on the coding strand, the complement: FLCN is on the minus strand). VCF-style: chr17-17216497-G-C. GRCh37 (hg19) VCF-style: chr17-17119811-G-C.
Other names: c.1237C>G, p.Leu413Val (NM_001353229.2); c.1183C>G, p.Leu395Val (NM_001353230.2, NM_001353231.2); short protein forms L395V, L413V.
Identifiers: ClinVar variation 1742742 (VCV001742742.2), dbSNP rs2544164458, ClinGen allele CA398532004.

ClinVar aggregate classification (germline): Uncertain significance (1 of 4 stars; one submission).

Conditions:
Hereditary cancer-predisposing syndrome. Also called: Hereditary Cancer Syndrome; Hereditary neoplastic syndrome; Neoplastic Syndromes, Hereditary; Tumor predisposition. Identifiers: Orphanet 140162, MedGen C0027672, MeSH D009386, MONDO:0015356.

Submission:

Ambry Genetics
Classification: Uncertain significance for Hereditary cancer-predisposing syndrome. Last evaluated: 2022-04-04. Review status: criteria provided, single submitter. Criteria: Ambry Variant Classification Scheme 2023. Collection method: clinical testing. Allele origin: germline.
Comment: The p.L395V variant (also known as c.1183C>G), located in coding exon 8 of the FLCN gene, results from a C to G substitution at nucleotide position 1183. The leucine at codon 395 is replaced by valine, an amino acid with highly similar properties. This amino acid position is conserved. In addition, this alteration is predicted to be deleterious by in silico analysis. Since supporting evidence is limited at this time, the clinical significance of this alteration remains unclear.